The following is an entry in ClinVar:

NM_020822.3(KCNT1):c.616C>T (p.Gln206Ter)

Gene: KCNT1 (potassium sodium-activated channel subfamily T member 1; plus strand). Cytogenetic location: 9q34.3.
Variant type: single nucleotide variant.
Coding change: c.616C>T on transcript NM_020822.3 (MANE Select); coding-DNA position 616, C replaced by T.
Protein change: p.Gln206Ter; replaces glutamine 206 with a stop codon.
Molecular consequence: nonsense.
Genome position (GRCh38, 1-based): chr9:135,757,171, C>T. VCF-style: chr9-135757171-C-T. GRCh37 (hg19) VCF-style: chr9-138649017-C-T.
Other names: c.472C>T, p.Gln158Ter (NM_001272003.2); short protein forms Q158*, Q206*.
Identifiers: ClinVar variation 1525928 (VCV001525928.8), dbSNP rs1192150242, ClinGen allele CA375497239.

ClinVar aggregate classification (germline): Uncertain significance (1 of 4 stars; one submission).

Conditions:
Developmental and epileptic encephalopathy, 14 (DEE14). Also called: Early infantile epileptic encephalopathy 14. Identifiers: Orphanet 293181, MedGen C3554195, MONDO:0013989, OMIM 614959.
Autosomal dominant nocturnal frontal lobe epilepsy 5. Also called: KCNT1-Related Epilepsy; Epilepsy, nocturnal frontal lobe, 5; CILIARY DYSKINESIA, PRIMARY, 28, WITHOUT SITUS INVERSUS; CILIARY DYSKINESIA, PRIMARY, 28, WITH SITUS INVERSUS. Identifiers: Orphanet 98784, MedGen C3554306, MONDO:0014002, OMIM 615005.

Allele frequency attached by ClinVar (database versions not stated): gnomAD exomes below 0.00001.
gnomAD v4.1: 1 of 1,499,102 alleles (0.000067%); highest among the groups gnomAD compares: Admixed American, 0.0018%; no homozygotes.

Submission:

Labcorp Genetics (formerly Invitae), Labcorp
Classification: Uncertain significance for Autosomal dominant nocturnal frontal lobe epilepsy 5; Developmental and epileptic encephalopathy, 14. Last evaluated: 2020-12-30. Review status: criteria provided, single submitter. Criteria: Invitae Variant Classification Sherloc (09022015). Collection method: clinical testing. Allele origin: germline.
Comment: In summary, the available evidence is currently insufficient to determine the role of this variant in disease. Therefore, it has been classified as a Variant of Uncertain Significance. This variant has been observed in individual(s) with clinical features of KCNT1-related conditions (Invitae). This variant is not present in population databases (ExAC no frequency). This sequence change creates a premature translational stop signal (p.Gln206*) in the KCNT1 gene. It is expected to result in an absent or disrupted protein product. However, the current clinical and genetic evidence is not sufficient to establish whether loss-of-function variants in KCNT1 cause disease.